The following is an entry in ClinVar:

ClinVar aggregate classification (germline): Likely benign. Review status: criteria provided, multiple submitters, no conflicts (2 of 4 stars). 4 submissions from 4 submitters: Likely benign (3). 1 of the submissions does not count toward it. Last evaluated 2025-12-23.

Conditions:
TRNT1-related disorder. Also called: TRNT1-related disorders; TRNT1-related condition.
Congenital sideroblastic anemia-B-cell immunodeficiency-periodic fever-developmental delay syndrome. Also called: Sideroblastic anemia with B-cell immunodeficiency, periodic fevers, and developmental delay. Identifiers: Orphanet 369861, MedGen C4015172, MONDO:0014487, OMIM 616084.

Allele frequency attached by ClinVar (database versions not stated): gnomAD exomes 0.00003 and 0.00006; ExAC 0.00010; gnomAD 0.00033 and 0.00036; ESP Exome Variant Server 0.00038; TOPMed 0.00039; 1000 Genomes Project 0.00040.
gnomAD v4.1: 86 of 1,586,946 alleles (0.0054%); highest among the groups gnomAD compares: African/African-American, 0.11%; no homozygotes.

Submissions (4):

Labcorp Genetics (formerly Invitae), Labcorp
Classification: Likely benign for Congenital sideroblastic anemia-B-cell immunodeficiency-periodic fever-developmental delay syndrome. Last evaluated: 2025-12-23. Review status: criteria provided, single submitter. Criteria: Invitae Variant Classification Sherloc (09022015). Collection method: clinical testing. Allele origin: germline.

Blueprint Genetics
Classification: Likely benign. Last evaluated: 2024-03-07. Review status: criteria provided, single submitter. Criteria: ACMG Guidelines, 2015. Collection method: clinical testing. Allele origin: germline.

Breakthrough Genomics
Classification: Likely benign. Review status: criteria provided, single submitter. Criteria: ACMG Guidelines, 2015. Collection method: not provided. Allele origin: germline. Inheritance: Autosomal recessive inheritance. Affected: yes.

PreventionGenetics, part of Exact Sciences
Classification: Likely benign for TRNT1-related condition. Last evaluated: 2019-07-31. Review status: no assertion criteria provided. Collection method: clinical testing. Allele origin: germline. Not counted in ClinVar's aggregate classification.
Comment: This variant is classified as likely benign based on ACMG/AMP sequence variant interpretation guidelines (Richards et al. 2015 PMID: 25741868, with internal and published modifications).

NM_182916.3(TRNT1):c.513T>C (p.Asn171=)

Gene: TRNT1 (tRNA nucleotidyl transferase 1; plus strand). Cytogenetic location: 3p26.2.
Variant type: single nucleotide variant.
Coding change: c.513T>C on transcript NM_182916.3 (MANE Select); coding-DNA position 513, T replaced by C.
Protein change: p.Asn171=; no amino-acid change (asparagine 171 retained).
Molecular consequence: synonymous variant. On other transcripts: non-coding transcript variant (8).
Genome position (GRCh38, 1-based): chr3:3,144,615, T>C. VCF-style: chr3-3144615-T-C. GRCh37 (hg19) VCF-style: chr3-3186299-T-C.
Other names: c.513T>C, p.Asn171= (NM_001302946.2, NM_001367321.1, NM_001367322.1 and 1 more transcripts).
Identifiers: ClinVar variation 772116 (VCV000772116.13), dbSNP rs190423145, ClinGen allele CA2228705.